The following is an entry in ClinVar:

NM_001197104.2(KMT2A):c.11877dup (p.Cys3960fs)

Genes: KMT2A (lysine methyltransferase 2A; plus strand), TTC36-AS1 (TTC36 and KMT2A antisense RNA 1; minus strand). Cytogenetic location: 11q23.3.
Variant type: Duplication.
Coding change: c.11877dup on transcript NM_001197104.2 (MANE Select); coding-DNA position 11877, one base duplicated (C; older notation c.11877dupC).
Protein change: p.Cys3960fs; shifts the reading frame from cysteine 3960.
Molecular consequence: frameshift variant.
Genome position (GRCh38, 1-based): chr11:118,522,130, C duplicated; the last of 3 consecutive C bases (chr11:118,522,128-118,522,130); duplicating any one gives the same sequence. VCF-style (leftmost placement, unchanged base first): chr11-118522127-G-GC. GRCh37 (hg19) VCF-style: chr11-118392842-G-GC.
Other names: c.11967dup, p.Cys3990fs (NM_001412597.1); c.11868dup, p.Cys3957fs (NM_005933.4); short protein forms C3957fs, C3960fs, C3990fs.
Identifiers: ClinVar variation 4975347 (VCV004975347.1).

ClinVar aggregate classification (germline): Uncertain significance (1 of 4 stars; one submission).

Submission:

GeneDx
Classification: Uncertain significance. Last evaluated: 2026-01-29. Review status: criteria provided, single submitter. Criteria: GeneDx Variant Classification Process June 2021. Collection method: clinical testing. Allele origin: germline.
Comment: Not observed at significant frequency in large population cohorts (gnomAD); Frameshift variant predicted to result in abnormal protein length as the last 13 amino acids are replaced with 54 different amino acids; Has not been previously published as pathogenic or benign to our knowledge